The following is an entry in ClinVar:

ClinVar aggregate classification (germline): Uncertain significance (1 of 4 stars; one submission).

Submission:

Labcorp Genetics (formerly Invitae), Labcorp
Classification: Uncertain significance. Last evaluated: 2025-09-21. Review status: criteria provided, single submitter. Criteria: Invitae Variant Classification Sherloc (09022015). Collection method: clinical testing. Allele origin: germline.
Comment: This sequence change replaces alanine, which is neutral and non-polar, with valine, which is neutral and non-polar, at codon 591 of the TFRC protein (p.Ala591Val). This variant is not present in population databases (gnomAD no frequency). This variant has not been reported in the literature in individuals affected with TFRC-related conditions. Invitae Evidence Modeling of protein sequence and biophysical properties (such as structural, functional, and spatial information, amino acid conservation, physicochemical variation, residue mobility, and thermodynamic stability) indicates that this missense variant is not expected to disrupt TFRC protein function with a negative predictive value of 80%. In summary, the available evidence is currently insufficient to determine the role of this variant in disease. Therefore, it has been classified as a Variant of Uncertain Significance.

NM_001128148.3(TFRC):c.1772C>T (p.Ala591Val)

Gene: TFRC (transferrin receptor; minus strand). Cytogenetic location: 3q29.
Variant type: single nucleotide variant.
Coding change: c.1772C>T on transcript NM_001128148.3 (MANE Select); coding-DNA position 1772, C replaced by T.
Protein change: p.Ala591Val; replaces alanine 591 with valine.
Molecular consequence: missense variant.
Genome position (GRCh38, 1-based): chr3:196,055,207, G>A on the plus strand (C>T on the coding strand, the complement: TFRC is on the minus strand). VCF-style: chr3-196055207-G-A. GRCh37 (hg19) VCF-style: chr3-195782078-G-A.
Other names: c.1529C>T, p.Ala510Val (NM_001313965.2); c.926C>T, p.Ala309Val (NM_001313966.2); c.1772C>T, p.Ala591Val (NM_003234.4); short protein forms A309V, A510V, A591V.
Identifiers: ClinVar variation 4798561 (VCV004798561.1).